The following is an entry in ClinVar:

ClinVar aggregate classification (germline): Uncertain significance. Review status: criteria provided, multiple submitters, no conflicts (2 of 4 stars). 3 submissions from 3 submitters: Uncertain significance (3). Last evaluated 2025-06-04.

Conditions:
Hereditary cancer-predisposing syndrome. Also called: Hereditary Cancer Syndrome; Neoplastic Syndromes, Hereditary; Tumor predisposition; Hereditary neoplastic syndrome. Identifiers: Orphanet 140162, MedGen C0027672, MeSH D009386, MONDO:0015356.

Allele frequency attached by ClinVar (database versions not stated): gnomAD exomes below 0.00001.

Submissions (3):

Labcorp Genetics (formerly Invitae), Labcorp
Classification: Uncertain significance. Last evaluated: 2025-06-04. Review status: criteria provided, single submitter. Criteria: Invitae Variant Classification Sherloc (09022015). Collection method: clinical testing. Allele origin: germline.
Comment: This sequence change replaces methionine, which is neutral and non-polar, with valine, which is neutral and non-polar, at codon 190 of the CTNNA1 protein (p.Met190Val). This variant is not present in population databases (gnomAD no frequency). This variant has not been reported in the literature in individuals affected with CTNNA1-related conditions. ClinVar contains an entry for this variant (Variation ID: 1022969). Invitae Evidence Modeling of protein sequence and biophysical properties (such as structural, functional, and spatial information, amino acid conservation, physicochemical variation, residue mobility, and thermodynamic stability) indicates that this missense variant is not expected to disrupt CTNNA1 protein function with a negative predictive value of 80%. In summary, the available evidence is currently insufficient to determine the role of this variant in disease. Therefore, it has been classified as a Variant of Uncertain Significance.

GeneDx
Classification: Uncertain significance. Last evaluated: 2025-05-23. Review status: criteria provided, single submitter. Criteria: GeneDx Variant Classification Process June 2021. Collection method: clinical testing. Allele origin: germline. Affected: yes.
Comment: Not observed at significant frequency in large population cohorts (gnomAD); In silico analysis suggests that this missense variant does not alter protein structure/function; Has not been previously published as pathogenic or benign to our knowledge; This variant is associated with the following publications: (PMID: 32051609)

Ambry Genetics
Classification: Uncertain significance for Hereditary cancer-predisposing syndrome. Last evaluated: 2023-07-31. Review status: criteria provided, single submitter. Criteria: Ambry Variant Classification Scheme 2023. Collection method: clinical testing. Allele origin: germline.
Comment: The p.M190V variant (also known as c.568A>G), located in coding exon 4 of the CTNNA1 gene, results from an A to G substitution at nucleotide position 568. The methionine at codon 190 is replaced by valine, an amino acid with highly similar properties. This amino acid position is well conserved in available vertebrate species. In addition, this alteration is predicted to be tolerated by in silico analysis. The evidence for this gene-disease relationship is limited; therefore, the clinical significance of this alteration is unclear.

Literature cited by the submitters: PubMed 32051609 (cited by Ambry Genetics).

NM_001903.5(CTNNA1):c.568A>G (p.Met190Val)

Gene: CTNNA1 (catenin alpha 1; plus strand). Cytogenetic location: 5q31.2.
Variant type: single nucleotide variant.
Coding change: c.568A>G on transcript NM_001903.5 (MANE Select); coding-DNA position 568, A replaced by G.
Protein change: p.Met190Val; replaces methionine 190 with valine.
Molecular consequence: missense variant.
Genome position (GRCh38, 1-based): chr5:138,812,282, A>G. VCF-style: chr5-138812282-A-G. GRCh37 (hg19) VCF-style: chr5-138147971-A-G.
Other names: c.568A>G, p.Met190Val (NM_001290307.3, NM_001323982.2, NM_001323983.1 and 3 more transcripts); c.259A>G, p.Met87Val (NM_001290309.3); c.199A>G, p.Met67Val (NM_001290310.3); c.568A>G (NM_001903.3); short protein forms M190V, M67V, M87V.
Identifiers: ClinVar variation 1022969 (VCV001022969.10), dbSNP rs1758902518, ClinGen allele CA361125581.